The following is an entry in ClinVar:

NM_021254.4(CFAP298):c.391G>A (p.Gly131Ser)

Genes: CFAP298 (cilia and flagella associated protein 298; minus strand), CFAP298-TCP10L (CFAP298-TCP10L readthrough; minus strand). Cytogenetic location: 21q22.11.
Variant type: single nucleotide variant.
Coding change: c.391G>A on transcript NM_021254.4 (MANE Select); coding-DNA position 391, G replaced by A.
Protein change: p.Gly131Ser; replaces glycine 131 with serine.
Molecular consequence: missense variant. On other transcripts: non-coding transcript variant (2).
Genome position (GRCh38, 1-based): chr21:32,604,268, C>T on the plus strand (G>A on the coding strand, the complement: CFAP298 is on the minus strand). VCF-style: chr21-32604268-C-T. GRCh37 (hg19) VCF-style: chr21-33976578-C-T.
Other names: c.391G>A, p.Gly131Ser (NM_001350338.2, NM_001350335.2, NM_001350336.2 and 1 more transcripts); c.94G>A, p.Gly32Ser (NM_001350334.2); short protein forms G131S, G32S.
Identifiers: ClinVar variation 241377 (VCV000241377.5), dbSNP rs142517552, ClinGen allele CA10002864.

ClinVar aggregate classification (germline): Uncertain significance (1 of 4 stars; one submission).

Allele frequency attached by ClinVar (database versions not stated): ExAC 0.00010; gnomAD 0.00017 and 0.00019; TOPMed 0.00020; ESP Exome Variant Server 0.00031; gnomAD exomes 0.00003 and 0.00006; 1000 Genomes Project 0.00060; 1000 Genomes Project 30x 0.00078.
gnomAD v4.1: 67 of 1,614,052 alleles (0.0042%); highest among the groups gnomAD compares: African/African-American, 0.067%; no homozygotes.

Submission:

Labcorp Genetics (formerly Invitae), Labcorp
Classification: Uncertain significance. Last evaluated: 2021-09-17. Review status: criteria provided, single submitter. Criteria: Invitae Variant Classification Sherloc (09022015). Collection method: clinical testing. Allele origin: germline.
Comment: This sequence change replaces glycine with serine at codon 131 of the CFAP298 protein (p.Gly131Ser). The glycine residue is moderately conserved and there is a small physicochemical difference between glycine and serine. This variant is present in population databases (rs142517552, ExAC 0.1%). This variant has not been reported in the literature in individuals affected with CFAP298-related conditions. ClinVar contains an entry for this variant (Variation ID: 241377). Algorithms developed to predict the effect of missense changes on protein structure and function output the following: SIFT: "Tolerated"; PolyPhen-2: "Benign"; Align-GVGD: "Class C0". The serine amino acid residue is found in multiple mammalian species, which suggests that this missense change does not adversely affect protein function. In summary, the available evidence is currently insufficient to determine the role of this variant in disease. Therefore, it has been classified as a Variant of Uncertain Significance.